The following is an entry in ClinVar:

NM_001267550.2(TTN):c.32392+5G>A

Gene: TTN (titin; minus strand). Cytogenetic location: 2q31.2.
Variant type: single nucleotide variant.
Coding change: c.32392+5G>A on transcript NM_001267550.2 (MANE Select); 5 bases into the intron after coding-DNA position 32392, G replaced by A.
Molecular consequence: intron variant.
Genome position (GRCh38, 1-based): chr2:178,685,513, C>T on the plus strand (G>A on the coding strand, the complement: TTN is on the minus strand). VCF-style: chr2-178685513-C-T. GRCh37 (hg19) VCF-style: chr2-179550240-C-T.
Other names: c.13283-43196G>A (NM_003319.4); c.13859-43196G>A (NM_133437.4); c.13658-43196G>A (NM_133432.3); c.28660+5G>A (NM_133378.4); c.31441+5G>A (NM_001256850.1).
Identifiers: ClinVar variation 4786552 (VCV004786552.1).
Genomic context (GRCh38, chr2:178,685,513, plus strand): 5'-ATAAGGAAACATAAAGAAGGAGACAAGCTAACATAGGGATAAAACTAATTAAAGAGTCAG[C>T]ATACCTTCAGCTGGCTCAGCTTCCACTCTCTTAGAAATAATGTGCAGCTTTTCTTCCACA-3'

ClinVar aggregate classification (germline): Uncertain significance (1 of 4 stars; one submission).

Conditions:
Autosomal recessive limb-girdle muscular dystrophy type 2J (LGMDR10). Also called: Limb-girdle muscular dystrophy, type 2J; MUSCULAR DYSTROPHY, LIMB-GIRDLE, AUTOSOMAL RECESSIVE 10. Identifiers: Orphanet 140922, MedGen C1837342, MONDO:0012127, OMIM 608807.
Dilated cardiomyopathy 1G (CMD1G). Identifiers: Orphanet 154, MedGen C1858763, MONDO:0011400, OMIM 604145.

gnomAD v4.1: 12 of 1,610,574 alleles (0.00075%); highest among the groups gnomAD compares: Non-Finnish European, 0.001%; no homozygotes.

Submission:

Labcorp Genetics (formerly Invitae), Labcorp
Classification: Uncertain significance for Dilated cardiomyopathy 1G; Autosomal recessive limb-girdle muscular dystrophy type 2J. Last evaluated: 2025-10-28. Review status: criteria provided, single submitter. Criteria: Invitae Variant Classification Sherloc (09022015). Collection method: clinical testing. Allele origin: germline.
Comment: This sequence change falls in intron 128 of the TTN gene. It does not directly change the encoded amino acid sequence of the TTN protein. It affects a nucleotide within the consensus splice site. This variant is not present in population databases (gnomAD no frequency). This variant has not been reported in the literature in individuals affected with TTN-related conditions. Variants that disrupt the consensus splice site are a relatively common cause of aberrant splicing (PMID: 17576681, 9536098). Algorithms developed to predict the effect of sequence changes on RNA splicing suggest that this variant is not likely to affect RNA splicing. This variant is located in the I band of TTN (PMID: 25589632). Non-truncating variants in this region may be clinically relevant, but have not been definitively shown to cause cardiomyopathy or neuromuscular disease (PMID: 27493940, 32778822). In summary, the available evidence is currently insufficient to determine the role of this variant in disease. Therefore, it has been classified as a Variant of Uncertain Significance.

Literature cited by the submitters: PubMed 17576681; PubMed 9536098; PubMed 25589632; PubMed 27493940; PubMed 32778822.